The following is an entry in ClinVar:

NM_207037.2(TCF12):c.617G>T (p.Arg206Leu)

Gene: TCF12 (transcription factor 12; plus strand). Cytogenetic location: 15q21.3.
Variant type: single nucleotide variant.
Coding change: c.617G>T on transcript NM_207037.2 (MANE Select); coding-DNA position 617, G replaced by T.
Protein change: p.Arg206Leu; replaces arginine 206 with leucine.
Molecular consequence: missense variant. On other transcripts: 5 prime UTR variant (1).
Genome position (GRCh38, 1-based): chr15:57,231,189, G>T. VCF-style: chr15-57231189-G-T. GRCh37 (hg19) VCF-style: chr15-57523387-G-T.
Other names: c.107G>T, p.Arg36Leu (NM_001306219.3, NM_207040.2); c.49G>T, p.Val17Leu (NM_001306220.3); c.617G>T, p.Arg206Leu (NM_001322151.2, NM_001322152.2, NM_001322157.3 and 7 more transcripts); c.-41G>T (NM_001322154.2); c.443G>T, p.Arg148Leu (NM_001322156.2, NM_001322158.2); c.653G>T, p.Arg218Leu (NM_001322164.2); short protein forms R148L, R206L, R218L, R36L, V17L.
Identifiers: ClinVar variation 3360937 (VCV003360937.1).

ClinVar aggregate classification (germline): Uncertain significance (1 of 4 stars; one submission).

gnomAD v4.1: 1 of 1,612,890 alleles (0.000062%); highest among the groups gnomAD compares: Non-Finnish European, 0.000085%; no homozygotes.

Submission:

GeneDx
Classification: Uncertain significance. Last evaluated: 2023-07-11. Review status: criteria provided, single submitter. Criteria: GeneDx Variant Classification Process June 2021. Collection method: clinical testing. Allele origin: germline. Affected: yes.
Comment: Not observed at significant frequency in large population cohorts (gnomAD); In silico analysis supports that this missense variant has a deleterious effect on protein structure/function; Has not been previously published as pathogenic or benign to our knowledge